The following is an entry in ClinVar:

NM_021076.4(NEFH):c.1947_1964dup (p.646_651AKSPEK[3])

Gene: NEFH (neurofilament heavy chain; plus strand). Cytogenetic location: 22q12.2.
Variant type: Duplication.
Coding change: c.1947_1964dup on transcript NM_021076.4 (MANE Select); coding-DNA positions 1947 to 1964, 18 bases duplicated (TGAGAAGGCCAAGTCCCC).
Protein change: p.646_651AKSPEK[3].
Molecular consequence: inframe insertion.
Genome position (GRCh38, 1-based): chr22:29,489,587-29,489,604, TGAGAAGGCCAAGTCCCC duplicated; duplicating any 18 consecutive bases within chr22:29,489,579-29,489,604 gives the same sequence; the c. name uses the placement nearest the transcript's 3' end. VCF-style (leftmost placement, unchanged base first): chr22-29489578-A-AAAGTCCCCTGAGAAGGCC. GRCh37 (hg19) VCF-style: chr22-29885567-A-AAAGTCCCCTGAGAAGGCC.
Other names: p.Ala652_Lys657dup; c.1947_1964dupTGAGAAGGCCAAGTCCCC (NM_021076.3).
Identifiers: ClinVar variation 522277 (VCV000522277.17), dbSNP rs147489453, ClinGen allele CA10174300.

ClinVar aggregate classification (germline): Benign. Review status: criteria provided, multiple submitters, no conflicts (2 of 4 stars). 7 submissions from 7 submitters: Benign (5). 2 of the submissions do not count toward it. Last evaluated 2026-02-04.

Conditions:
Amyotrophic lateral sclerosis type 1 (ALS1). Also called: AMYOTROPHIC LATERAL SCLEROSIS 1, FAMILIAL. Identifiers: Orphanet 803, MedGen C1862939, MONDO:0007103, OMIM 105400.

Submissions (7):

Labcorp Genetics (formerly Invitae), Labcorp
Classification: Benign. Last evaluated: 2026-02-04. Review status: criteria provided, single submitter. Criteria: Invitae Variant Classification Sherloc (09022015). Collection method: clinical testing. Allele origin: germline.

Laboratory of Genetics, Children's Clinical University Hospital Latvia
Classification: Benign. Last evaluated: 2025-02-16. Review status: criteria provided, single submitter. Criteria: ACMG Guidelines, 2015. Collection method: clinical testing. Allele origin: germline. Affected: yes.

Mayo Clinic Laboratories, Mayo Clinic
Classification: Benign. Last evaluated: 2022-12-15. Review status: criteria provided, single submitter. Criteria: ACMG Guidelines, 2015. Collection method: clinical testing. Allele origin: germline. Observed: 1,480 variant alleles.
Comment: BA1

GeneDx
Classification: Benign. Last evaluated: 2021-03-06. Review status: criteria provided, single submitter. Criteria: GeneDx Variant Classification Process June 2021. Collection method: clinical testing. Allele origin: germline. Affected: yes.

Clinical Genetics DNA and cytogenetics Diagnostics Lab, Erasmus MC, Erasmus Medical Center
Classification: Benign for Amyotrophic lateral sclerosis type 1. Last evaluated: 2015-09-21. Review status: criteria provided, single submitter. Criteria: ACGS Guidelines, 2013. Collection method: clinical testing. Allele origin: germline. Affected: yes. Study: VKGL Data-share Consensus.

Genome Diagnostics Laboratory, Amsterdam University Medical Center
Classification: Likely benign for Amyotrophic lateral sclerosis type 1. Last evaluated: 2015-01-08. Review status: no assertion criteria provided. Criteria: ACGS Guidelines, 2013. Collection method: clinical testing. Allele origin: germline. Affected: yes. Study: VKGL Data-share Consensus. Not counted in ClinVar's aggregate classification.

Clinical Genetics, Academic Medical Center
Classification: Benign. Review status: no assertion criteria provided. Collection method: clinical testing. Allele origin: germline. Affected: yes. Study: VKGL Data-share Consensus. Not counted in ClinVar's aggregate classification.